The following is an entry in ClinVar:

NM_001206927.2(DNAH8):c.3706G>A (p.Asp1236Asn)

Gene: DNAH8 (dynein axonemal heavy chain 8; plus strand). Cytogenetic location: 6p21.2.
Variant type: single nucleotide variant.
Coding change: c.3706G>A on transcript NM_001206927.2 (MANE Select); coding-DNA position 3706, G replaced by A.
Protein change: p.Asp1236Asn; replaces aspartic acid 1236 with asparagine.
Molecular consequence: missense variant.
Genome position (GRCh38, 1-based): chr6:38,823,020, G>A. VCF-style: chr6-38823020-G-A. GRCh37 (hg19) VCF-style: chr6-38790796-G-A.
Other names: c.3055G>A, p.Asp1019Asn (NM_001371.4); short protein forms D1236N, D1019N.
Identifiers: ClinVar variation 1357256 (VCV001357256.3), dbSNP rs201420305, ClinGen allele CA3788914.

ClinVar aggregate classification (germline): Uncertain significance (1 of 4 stars; one submission).

Conditions:
Primary ciliary dyskinesia. Also called: Ciliary dyskinesia. Identifiers: Orphanet 244, MedGen C0008780, MONDO:0016575, HP:0012265.

gnomAD v4.1: 17 of 1,574,572 alleles (0.0011%); highest among the groups gnomAD compares: African/African-American, 0.015%; no homozygotes.

Submission:

Labcorp Genetics (formerly Invitae), Labcorp
Classification: Uncertain significance for Primary ciliary dyskinesia. Last evaluated: 2022-06-27. Review status: criteria provided, single submitter. Criteria: Invitae Variant Classification Sherloc (09022015). Collection method: clinical testing. Allele origin: germline.
Comment: This sequence change replaces aspartic acid, which is acidic and polar, with asparagine, which is neutral and polar, at codon 1236 of the DNAH8 protein (p.Asp1236Asn). This variant is present in population databases (rs201420305, gnomAD 0.04%). This variant has not been reported in the literature in individuals affected with DNAH8-related conditions. Algorithms developed to predict the effect of missense changes on protein structure and function are either unavailable or do not agree on the potential impact of this missense change (SIFT: "Deleterious"; PolyPhen-2: "Not Available"; Align-GVGD: "Class C0"). In summary, the available evidence is currently insufficient to determine the role of this variant in disease. Therefore, it has been classified as a Variant of Uncertain Significance.